The following is an entry in ClinVar:

ClinVar aggregate classification (germline): Uncertain significance (1 of 4 stars; one submission).

Conditions:
Idiopathic generalized epilepsy. Also called: EIG; Generalised epilepsy. Identifiers: MedGen C0270850, MONDO:0005579, OMIM 600669.

Submission:

Labcorp Genetics (formerly Invitae), Labcorp
Classification: Uncertain significance for Idiopathic generalized epilepsy. Last evaluated: 2024-07-15. Review status: criteria provided, single submitter. Criteria: Invitae Variant Classification Sherloc (09022015). Collection method: clinical testing. Allele origin: germline.
Comment: This sequence change replaces asparagine, which is neutral and polar, with lysine, which is basic and polar, at codon 35 of the GABRD protein (p.Asn35Lys). This variant is not present in population databases (gnomAD no frequency). This variant has not been reported in the literature in individuals affected with GABRD-related conditions. An algorithm developed to predict the effect of missense changes on protein structure and function (PolyPhen-2) suggests that this variant is likely to be tolerated. In summary, the available evidence is currently insufficient to determine the role of this variant in disease. Therefore, it has been classified as a Variant of Uncertain Significance.

NM_000815.5(GABRD):c.105C>G (p.Asn35Lys)

Gene: GABRD (gamma-aminobutyric acid type A receptor subunit delta; plus strand). Cytogenetic location: 1p36.33.
Variant type: single nucleotide variant.
Coding change: c.105C>G on transcript NM_000815.5 (MANE Select); coding-DNA position 105, C replaced by G.
Protein change: p.Asn35Lys; replaces asparagine 35 with lysine.
Molecular consequence: missense variant.
Genome position (GRCh38, 1-based): chr1:2,024,978, C>G. VCF-style: chr1-2024978-C-G. GRCh37 (hg19) VCF-style: chr1-1956417-C-G.
Other names: short protein forms N35K.
Identifiers: ClinVar variation 3659522 (VCV003659522.2).